The following is an entry in ClinVar:

ClinVar aggregate classification (germline): Pathogenic/Likely pathogenic. Review status: criteria provided, multiple submitters, no conflicts (2 of 4 stars). 11 submissions from 9 submitters: Pathogenic (5); Likely pathogenic (5). 1 of the submissions does not count toward it. Last evaluated 2026-01-22.

Conditions:
CRB1-related disorder. Also called: CRB1-related condition; CRB1-related disorders.
Leber congenital amaurosis 8 (LCA8). Identifiers: Orphanet 65, MedGen C3151202, MONDO:0013453, OMIM 613835.
Retinitis pigmentosa 12 (RP12). Also called: RP WITH OR WITHOUT PPRPE; RP WITH OR WITHOUT PRESERVED PARAARTERIOLE RETINAL PIGMENT EPITHELIUM; RETINITIS PIGMENTOSA WITH OR WITHOUT PARAARTERIOLAR PRESERVATION OF RETINAL PIGMENT EPITHELIUM. Identifiers: Orphanet 791, MedGen C1838647, MONDO:0010818, OMIM 600105.
Pigmented paravenous retinochoroidal atrophy. Identifiers: Orphanet 251295, MedGen C1868310, MONDO:0008246, OMIM 172870.
Leber congenital amaurosis (LCA). Also called: Leber's amaurosis. Identifiers: Orphanet 65, MedGen C0339527, MeSH D057130, MONDO:0018998.
Retinal dystrophy. Also called: Inherited retinal dystrophy. Identifiers: Orphanet 71862, MedGen C0854723, MeSH D058499, MONDO:0019118, HP:0000556.

Allele frequency attached by ClinVar (database versions not stated): ExAC 0.00002; gnomAD exomes 0.00002; TOPMed 0.00006; ESP Exome Variant Server 0.00008.
gnomAD v4.1: 87 of 1,613,022 alleles (0.0054%); highest among the groups gnomAD compares: Non-Finnish European, 0.0072%; no homozygotes.

Submissions (11):

Labcorp Genetics (formerly Invitae), Labcorp
Classification: Pathogenic for Leber congenital amaurosis 8; Retinitis pigmentosa 12. Last evaluated: 2026-01-22. Review status: criteria provided, single submitter. Criteria: Invitae Variant Classification Sherloc (09022015). Collection method: clinical testing. Allele origin: germline.
Comment: This sequence change replaces glutamic acid, which is acidic and polar, with valine, which is neutral and non-polar, at codon 710 of the CRB1 protein (p.Glu710Val). This variant is present in population databases (rs145282040, gnomAD 0.004%). This missense change has been observed in individual(s) with CRB1-related diseases (PMID: 20591486, 20956273, 28041643, 28559085). In at least one individual the data is consistent with being in trans (on the opposite chromosome) from a pathogenic variant. It has also been observed to segregate with disease in related individuals. ClinVar contains an entry for this variant (Variation ID: 438073). An algorithm developed to predict the effect of missense changes on protein structure and function (PolyPhen-2) suggests that this variant is likely to be disruptive. This variant disrupts the p.Glu710 amino acid residue in CRB1. Other variant(s) that disrupt this residue have been observed in individuals with CRB1-related conditions (PMID: 15024725), which suggests that this may be a clinically significant amino acid residue. For these reasons, this variant has been classified as Pathogenic.

Natera, Inc.
Classification: Pathogenic for Leber congenital amaurosis. Last evaluated: 2025-12-19. Review status: criteria provided, single submitter. Criteria: Natera Variant Classification Schema (03/2026). Collection method: clinical testing. Allele origin: germline.
Comment: The c.2129A>T variant in CRB1 is a missense variant predicted to cause substitution of glutamic acid to valine at amino acid 710. This variant is rare in the general population with a frequency below the threshold expected for the associated phenotype(s). This variant has been observed in one or more individuals affected with the associated recessive disease, as either homozygous or compound heterozygous with a second variant (PMID: 25472526, 25412400, 20956273, 21147909). Computational prediction algorithms indicate this variant is likely to affect gene or protein function. Given the available evidence, this variant is classified as Pathogenic.

Baylor Genetics
Classification: Pathogenic for Leber congenital amaurosis 8. Last evaluated: 2024-03-09. Review status: criteria provided, single submitter. Criteria: ACMG Guidelines, 2015. Collection method: clinical testing. Allele origin: unknown.

Fulgent Genetics
Classification: Pathogenic for Pigmented paravenous retinochoroidal atrophy; Retinitis pigmentosa 12; Leber congenital amaurosis 8. Last evaluated: 2024-01-15. Review status: criteria provided, single submitter. Criteria: ACMG Guidelines, 2015. Collection method: clinical testing. Allele origin: germline.

Blueprint Genetics
Classification: Pathogenic for CRB1-related disorders. Last evaluated: 2023-12-20. Review status: criteria provided, single submitter. Criteria: ACMG Guidelines, 2015. Collection method: clinical testing. Allele origin: germline. Affected: yes. Observed: 5 variant alleles.

GeneDx
Classification: Likely pathogenic. Last evaluated: 2023-06-29. Review status: criteria provided, single submitter. Criteria: GeneDx Variant Classification Process June 2021. Collection method: clinical testing. Allele origin: germline. Affected: yes.
Comment: In silico analysis supports that this missense variant has a deleterious effect on protein structure/function; This variant is associated with the following publications: (PMID: 20591486, 32581362, 20956273, 28041643, 28559085)

Genome-Nilou Lab
Classification: Likely pathogenic for Leber congenital amaurosis 8. Last evaluated: 2023-04-11. Review status: criteria provided, single submitter. Criteria: ACMG Guidelines, 2015. Collection method: clinical testing. Allele origin: germline. Affected: no.

Genome-Nilou Lab
Classification: Likely pathogenic for Pigmented paravenous retinochoroidal atrophy. Last evaluated: 2023-04-11. Review status: criteria provided, single submitter. Criteria: ACMG Guidelines, 2015. Collection method: clinical testing. Allele origin: germline. Affected: no.

Genome-Nilou Lab
Classification: Likely pathogenic for Retinitis pigmentosa 12. Last evaluated: 2023-04-11. Review status: criteria provided, single submitter. Criteria: ACMG Guidelines, 2015. Collection method: clinical testing. Allele origin: germline. Affected: no.

Revvity Omics, Revvity
Classification: Likely pathogenic. Last evaluated: 2019-10-05. Review status: criteria provided, single submitter. Criteria: ACMG Guidelines, 2015. Collection method: clinical testing. Allele origin: germline.

NIHR Bioresource Rare Diseases, University of Cambridge
Classification: Likely pathogenic for Retinal dystrophy. Last evaluated: 2015-01-01. Review status: no assertion criteria provided. Collection method: research. Allele origin: unknown. Affected: yes. Observed: 1 variant allele. Not counted in ClinVar's aggregate classification.

Literature cited by the submitters: PubMed 20591486 (cited by Labcorp Genetics (formerly Invitae), Labcorp and NIHR Bioresource Rare Diseases, University of Cambridge); PubMed 20956273 (cited by Labcorp Genetics (formerly Invitae), Labcorp and Natera, Inc.); PubMed 28041643 (cited by Labcorp Genetics (formerly Invitae), Labcorp and NIHR Bioresource Rare Diseases, University of Cambridge); PubMed 28559085 (cited by Labcorp Genetics (formerly Invitae), Labcorp); PubMed 15024725 (cited by Labcorp Genetics (formerly Invitae), Labcorp); PubMed 25472526 (cited by Natera, Inc.); PubMed 25412400 (cited by Natera, Inc.); PubMed 21147909 (cited by Natera, Inc.).

NM_201253.3(CRB1):c.2129A>T (p.Glu710Val)

Gene: CRB1 (crumbs cell polarity complex component 1; plus strand). Cytogenetic location: 1q31.3.
Variant type: single nucleotide variant.
Coding change: c.2129A>T on transcript NM_201253.3 (MANE Select); coding-DNA position 2129, A replaced by T.
Protein change: p.Glu710Val; replaces glutamic acid 710 with valine.
Molecular consequence: missense variant. On other transcripts: non-coding transcript variant (2), intron variant (1).
Genome position (GRCh38, 1-based): chr1:197,427,454, A>T. VCF-style: chr1-197427454-A-T. GRCh37 (hg19) VCF-style: chr1-197396584-A-T.
Other names: c.1793A>T, p.Glu598Val (NM_001193640.2); c.1922A>T, p.Glu641Val (NM_001257965.2); c.2128+5498A>T (NM_001257966.2); short protein forms E710V, E598V, E641V.
Identifiers: ClinVar variation 438073 (VCV000438073.22), dbSNP rs145282040, ClinGen allele CA1312059.